The following is an entry in ClinVar:

NM_001042492.3(NF1):c.8024C>G (p.Pro2675Arg)

Gene: NF1 (neurofibromin 1; plus strand). Cytogenetic location: 17q11.2.
Variant type: single nucleotide variant.
Coding change: c.8024C>G on transcript NM_001042492.3 (MANE Select); coding-DNA position 8024, C replaced by G.
Protein change: p.Pro2675Arg; replaces proline 2675 with arginine.
Molecular consequence: missense variant.
Genome position (GRCh38, 1-based): chr17:31,358,533, C>G. VCF-style: chr17-31358533-C-G. GRCh37 (hg19) VCF-style: chr17-29685551-C-G.
Other names: c.7961C>G, p.Pro2654Arg (NM_000267.4); short protein forms P2654R, P2675R.
Identifiers: ClinVar variation 3404673 (VCV003404673.4).

ClinVar aggregate classification (germline): Uncertain significance. Review status: criteria provided, multiple submitters, no conflicts (2 of 4 stars). 3 submissions from 3 submitters: Uncertain significance (3). Last evaluated 2024-08-05.

Conditions:
Neurofibromatosis, type 1 (NF1). Also called: NEUROFIBROMATOSIS, TYPE I, SOMATIC; Neurofibromatosis, type I; Peripheral type neurofibromatosis; VON RECKLINGHAUSEN DISEASE. Identifiers: Orphanet 636, MedGen C0027831, MONDO:0018975, OMIM 162200. Disease mechanism: loss of function.
Hereditary cancer-predisposing syndrome. Also called: Hereditary Cancer Syndrome; Hereditary neoplastic syndrome; Neoplastic Syndromes, Hereditary; Tumor predisposition. Identifiers: Orphanet 140162, MedGen C0027672, MeSH D009386, MONDO:0015356.
Cardiovascular phenotype. Identifiers: MedGen CN230736.

gnomAD v4.1: 1 of 1,613,766 alleles (0.000062%); highest among the groups gnomAD compares: Admixed American, 0.0017%; no homozygotes.

Submissions (3):

Ambry Genetics
Classification: Uncertain significance for Cardiovascular phenotype; Hereditary cancer-predisposing syndrome. Last evaluated: 2024-08-05. Review status: criteria provided, single submitter. Criteria: Ambry Variant Classification Scheme 2023. Collection method: clinical testing. Allele origin: germline.
Comment: The p.P2654R variant (also known as c.7961C>G), located in coding exon 54 of the NF1 gene, results from a C to G substitution at nucleotide position 7961. The proline at codon 2654 is replaced by arginine, an amino acid with dissimilar properties. This amino acid position is well conserved in available vertebrate species. In addition, the in silico prediction for this alteration is inconclusive. Based on the available evidence, the clinical significance of this variant remains unclear.

Labcorp Genetics (formerly Invitae), Labcorp
Classification: Uncertain significance for Neurofibromatosis, type 1. Last evaluated: 2024-05-16. Review status: criteria provided, single submitter. Criteria: Invitae Variant Classification Sherloc (09022015). Collection method: clinical testing. Allele origin: germline.
Comment: This sequence change replaces proline, which is neutral and non-polar, with arginine, which is basic and polar, at codon 2654 of the NF1 protein (p.Pro2654Arg). This variant is not present in population databases (gnomAD no frequency). This variant has not been reported in the literature in individuals affected with NF1-related conditions. Advanced modeling of protein sequence and biophysical properties (such as structural, functional, and spatial information, amino acid conservation, physicochemical variation, residue mobility, and thermodynamic stability) performed at Invitae indicates that this missense variant is not expected to disrupt NF1 protein function with a negative predictive value of 95%. In summary, the available evidence is currently insufficient to determine the role of this variant in disease. Therefore, it has been classified as a Variant of Uncertain Significance.

Quest Diagnostics Nichols Institute San Juan Capistrano
Classification: Uncertain significance. Last evaluated: 2024-05-10. Review status: criteria provided, single submitter. Criteria: Quest Diagnostics criteria. Collection method: clinical testing. Allele origin: unknown.